The following is an entry in ClinVar:

NM_032485.6(MCM8):c.414A>G (p.Ile138Met)

Gene: MCM8 (minichromosome maintenance 8 homologous recombination repair factor; plus strand). Cytogenetic location: 20p12.3.
Variant type: single nucleotide variant.
Coding change: c.414A>G on transcript NM_032485.6 (MANE Select); coding-DNA position 414, A replaced by G.
Protein change: p.Ile138Met; replaces isoleucine 138 with methionine.
Molecular consequence: missense variant.
Genome position (GRCh38, 1-based): chr20:5,955,179, A>G. VCF-style: chr20-5955179-A-G. GRCh37 (hg19) VCF-style: chr20-5935825-A-G.
Other names: c.414A>G, p.Ile138Met (NM_001281520.2, NM_001281521.2, NM_001281522.2 and 1 more transcripts); short protein forms I138M.
Identifiers: ClinVar variation 775586 (VCV000775586.20), dbSNP rs145133959, ClinGen allele CA9756469.

ClinVar aggregate classification (germline): Benign/Likely benign. Review status: criteria provided, multiple submitters, no conflicts (2 of 4 stars). 5 submissions from 5 submitters: Benign (3); Likely benign (1). 1 of the submissions does not count toward it. Last evaluated 2025-08-18.

Conditions:
MCM8-related disorder. Also called: MCM8-related condition.

Allele frequency attached by ClinVar (database versions not stated): gnomAD 0.00238 and 0.00317; TOPMed 0.00255; ESP Exome Variant Server 0.00331; gnomAD exomes 0.00389 and 0.00620; 1000 Genomes Project 30x 0.00656; ExAC 0.00669; 1000 Genomes Project 0.00719.
gnomAD v4.1: 6,252 of 1,613,946 alleles (0.39%); highest among the groups gnomAD compares: South Asian, 2.8%; 84 homozygotes.

Submissions (5):

Genomic Medicine Center of Excellence, King Faisal Specialist Hospital and Research Centre
Classification: Likely benign. Last evaluated: 2025-08-18. Review status: criteria provided, single submitter. Criteria: ACMG Guidelines, 2015. Collection method: clinical testing. Allele origin: germline.

CeGaT Center for Human Genetics Tuebingen
Classification: Benign. Last evaluated: 2025-02-01. Review status: criteria provided, single submitter. Criteria: CeGaT Center For Human Genetics Tuebingen Variant Classification Criteria Version 2. Collection method: clinical testing. Allele origin: germline. Affected: yes. Observed: 1 variant allele.
Comment: MCM8: BP4, BS1, BS2

Labcorp Genetics (formerly Invitae), Labcorp
Classification: Benign. Last evaluated: 2018-07-19. Review status: criteria provided, single submitter. Criteria: Invitae Variant Classification Sherloc (09022015). Collection method: clinical testing. Allele origin: germline.

Breakthrough Genomics
Classification: Benign. Review status: criteria provided, single submitter. Criteria: ACMG Guidelines, 2015. Collection method: not provided. Allele origin: germline. Inheritance: Autosomal recessive inheritance. Affected: yes.

PreventionGenetics, part of Exact Sciences
Classification: Benign for MCM8-related condition. Last evaluated: 2019-07-02. Review status: no assertion criteria provided. Collection method: clinical testing. Allele origin: germline. Not counted in ClinVar's aggregate classification.
Comment: This variant is classified as benign based on ACMG/AMP sequence variant interpretation guidelines (Richards et al. 2015 PMID: 25741868, with internal and published modifications).